The following is an entry in ClinVar:

ClinVar aggregate classification (germline): Uncertain significance (1 of 4 stars; one submission).

Conditions:
Inborn genetic diseases. Identifiers: MedGen C0950123, MeSH D030342.

Submission:

Ambry Genetics
Classification: Uncertain significance for Inborn genetic diseases. Last evaluated: 2017-07-24. Review status: criteria provided, single submitter. Criteria: Ambry Variant Classification Scheme 2023. Collection method: clinical testing. Allele origin: germline.
Comment: The p.E383V variant (also known as c.1148A>T), located in coding exon 10 of the UPF3B gene, results from an A to T substitution at nucleotide position 1148. The glutamic acid at codon 383 is replaced by valine, an amino acid with dissimilar properties. This amino acid position is highly conserved in available vertebrate species. In addition, the in silico prediction for this alteration is inconclusive. Since supporting evidence is limited at this time, the clinical significance of this alteration remains unclear.

NM_080632.3(UPF3B):c.1148A>T (p.Glu383Val)

Gene: UPF3B (UPF3B regulator of nonsense mediated mRNA decay; minus strand). Cytogenetic location: Xq24.
Variant type: single nucleotide variant.
Coding change: c.1148A>T on transcript NM_080632.3 (MANE Select); coding-DNA position 1148, A replaced by T.
Protein change: p.Glu383Val; replaces glutamic acid 383 with valine.
Molecular consequence: missense variant.
Genome position (GRCh38, 1-based): chrX:119,837,911, T>A on the plus strand (A>T on the coding strand, the complement: UPF3B is on the minus strand). VCF-style: chrX-119837911-T-A. GRCh37 (hg19) VCF-style: chrX-118971874-T-A.
Other names: c.1109A>T, p.Glu370Val (NM_023010.4); short protein forms E370V, E383V.
Identifiers: ClinVar variation 1733008 (VCV001733008.2), dbSNP rs2521510583, ClinGen allele CA414183128.